The following is an entry in ClinVar:

ClinVar aggregate classification (germline): Pathogenic/Likely pathogenic. Review status: criteria provided, multiple submitters, no conflicts (2 of 4 stars). 2 submissions from 2 submitters: Pathogenic (1); Likely pathogenic (1). Last evaluated 2024-05-20.

Conditions:
Ehlers-Danlos syndrome, dermatosparaxis type. Also called: Ehlers-Danlos syndrome, type VII, autosomal recessive; Dermatosparaxis; EDS VIIC. Identifiers: Orphanet 1901, MedGen C2700425, MONDO:0009161, OMIM 225410.

Submissions (2):

Fulgent Genetics
Classification: Likely pathogenic for Ehlers-Danlos syndrome, dermatosparaxis type. Last evaluated: 2024-05-20. Review status: criteria provided, single submitter. Criteria: ACMG Guidelines, 2015. Collection method: clinical testing. Allele origin: germline.

Labcorp Genetics (formerly Invitae), Labcorp
Classification: Pathogenic for Ehlers-Danlos syndrome, dermatosparaxis type. Last evaluated: 2022-03-16. Review status: criteria provided, single submitter. Criteria: Invitae Variant Classification Sherloc (09022015). Collection method: clinical testing. Allele origin: germline.
Comment: For these reasons, this variant has been classified as Pathogenic. This variant has not been reported in the literature in individuals affected with ADAMTS2-related conditions. This sequence change creates a premature translational stop signal (p.Glu800*) in the ADAMTS2 gene. It is expected to result in an absent or disrupted protein product. Loss-of-function variants in ADAMTS2 are known to be pathogenic (PMID: 10417273). This variant is not present in population databases (gnomAD no frequency).

Literature cited by the submitters: PubMed 10417273 (cited by Labcorp Genetics (formerly Invitae), Labcorp).

NM_014244.5(ADAMTS2):c.2398G>T (p.Glu800Ter)

Gene: ADAMTS2 (ADAM metallopeptidase with thrombospondin type 1 motif 2; minus strand). Cytogenetic location: 5q35.3.
Variant type: single nucleotide variant.
Coding change: c.2398G>T on transcript NM_014244.5 (MANE Select); coding-DNA position 2398, G replaced by T.
Protein change: p.Glu800Ter; replaces glutamic acid 800 with a stop codon.
Molecular consequence: nonsense.
Genome position (GRCh38, 1-based): chr5:179,129,991, C>A on the plus strand (G>T on the coding strand, the complement: ADAMTS2 is on the minus strand). VCF-style: chr5-179129991-C-A. GRCh37 (hg19) VCF-style: chr5-178556992-C-A.
Other names: short protein forms E800*.
Identifiers: ClinVar variation 2113126 (VCV002113126.5), dbSNP rs747447840, ClinGen allele CA362423949.